The following is an entry in ClinVar:

NM_000157.4(GBA1):c.599T>C (p.Ile200Thr)

Genes: GBA1 (glucosylceramidase beta 1; minus strand), LOC106627981 (GBA recombination region; plus strand). Cytogenetic location: 1q22.
Variant type: single nucleotide variant.
Coding change: c.599T>C on transcript NM_000157.4 (MANE Select); coding-DNA position 599, T replaced by C.
Protein change: p.Ile200Thr; replaces isoleucine 200 with threonine.
Molecular consequence: missense variant.
Genome position (GRCh38, 1-based): chr1:155,238,296, A>G on the plus strand (T>C on the coding strand, the complement: GBA1 is on the minus strand). VCF-style: chr1-155238296-A-G. GRCh37 (hg19) VCF-style: chr1-155208087-A-G.
Other names: c.599T>C, p.Ile200Thr (NM_001005741.3, NM_001005742.3); c.338T>C, p.Ile113Thr (NM_001171811.2); c.452T>C, p.Ile151Thr (NM_001171812.2); short protein forms I113T, I151T, I200T.
Identifiers: ClinVar variation 4817783 (VCV004817783.2).

ClinVar aggregate classification (germline): Likely pathogenic. Review status: criteria provided, multiple submitters, no conflicts (2 of 4 stars). 2 submissions from 2 submitters: Likely pathogenic (2). Last evaluated 2026-04-22.

Conditions:
Gaucher disease. Also called: Acute cerebral Gaucher disease; Cerebroside lipidosis syndrome; Gaucher splenomegaly; Sphingolipidosis 1; Glucocerebrosidosis; Glucosylceramidase deficiency. Identifiers: Orphanet 355, MedGen C0017205, MONDO:0018150.

Submissions (2):

Women's Health and Genetics/Laboratory Corporation of America, LabCorp
Classification: Likely pathogenic for Gaucher disease. Last evaluated: 2026-04-22. Review status: criteria provided, single submitter. Criteria: LabCorp Variant Classification Summary - May 2015. Collection method: clinical testing. Allele origin: germline.
Comment: Variant summary: GBA1 c.599T>C (p.Ile200Thr) results in a non-conservative amino acid change in the encoded protein sequence. Algorithms developed to predict the effect of missense changes on protein structure and function all suggest that this variant is likely to be disruptive. The frequency of this variant in the general population could not be determined as the technology used for large population databases (ExAC, gnomAD, ESP, 1000G) cannot detect variants of this type. c.599T>C has been observed in the presumed compound heterozygous state in at least 1 and in the homozygous state in at least 1 additional individual(s) affected with Gaucher Disease (example, Thomas_2021, Mozafari_2021). These data indicate that the variant may be associated with disease. To our knowledge, no experimental evidence demonstrating an impact on protein function has been reported. A different variant affecting the same codon has been classified as likely pathogenic/pathogenic (c.599T>A, p.Ile200Asn), supporting the critical relevance of codon 200 to GBA1 protein function. The following publications have been ascertained in the context of this evaluation (PMID: 33301762, 35810474, 34282371). ClinVar contains an entry for this variant (Variation ID: 4817783). Based on the evidence outlined above, the variant was classified as likely pathogenic.

Natera, Inc.
Classification: Likely pathogenic for Gaucher disease. Last evaluated: 2025-10-06. Review status: criteria provided, single submitter. Criteria: Natera Variant Classification Schema (03/2026). Collection method: clinical testing. Allele origin: germline.
Comment: The c.599T>C variant in GBA1 is a missense variant predicted to cause substitution of isoleucine to threonine at amino acid 200. This variant is rare in the general population with a frequency below the threshold expected for the associated phenotype(s). This variant has been observed in one or more individuals affected with the associated recessive disease, as either homozygous or compound heterozygous with a second variant (PMID: 33301762, 34282371). A different variant at the same position has been determined to be Pathogenic or Likely Pathogenic. Computational prediction algorithms indicate this variant is likely to affect gene or protein function. Given the available evidence, this variant is classified as Likely Pathogenic.

Literature cited by the submitters: PubMed 33301762 (cited by Women's Health and Genetics/Laboratory Corporation of America, LabCorp and Natera, Inc.); PubMed 34282371 (cited by Women's Health and Genetics/Laboratory Corporation of America, LabCorp and Natera, Inc.); PubMed 35810474 (cited by Women's Health and Genetics/Laboratory Corporation of America, LabCorp).